The following is an entry in ClinVar:

ClinVar aggregate classification (germline): Conflicting classifications of pathogenicity. Review status: criteria provided, conflicting classifications (1 of 4 stars). 3 submissions from 3 submitters: Uncertain significance (2); Likely benign (1). Last evaluated 2025-12-03.

Conditions:
PSAP-related disorder. Also called: PSAP-related condition.
Inborn genetic diseases. Identifiers: MedGen C0950123, MeSH D030342.
Sphingolipid activator protein 1 deficiency. Also called: Metachromatic leukodystrophy due to saposin B deficiency; Saposin B Deficiency; METACHROMATIC LEUKODYSTROPHY DUE TO CEREBROSIDE SULFATASE ACTIVATOR DEFICIENCY. Identifiers: Orphanet 512, MedGen C0268262, MONDO:0009590, OMIM 249900.

gnomAD v4.1: 19 of 1,614,072 alleles (0.0012%); highest among the groups gnomAD compares: African/African-American, 0.004%; no homozygotes.

Submissions (3):

Ambry Genetics
Classification: Likely benign for Inborn genetic diseases. Last evaluated: 2025-12-03. Review status: criteria provided, single submitter. Criteria: Ambry Variant Classification Scheme 2023. Collection method: clinical testing. Allele origin: germline.

PreventionGenetics, part of Exact Sciences
Classification: Uncertain significance for PSAP-related condition. Last evaluated: 2024-11-01. Review status: criteria provided, single submitter. Criteria: ACMG Guidelines, 2015. Collection method: clinical testing. Allele origin: germline.
Comment: The PSAP c.1262G>A variant is predicted to result in the amino acid substitution p.Arg421His. To our knowledge, this variant has not been reported in the literature. This variant is reported in 0.0080% of alleles in individuals of African descent in gnomAD. At this time, the clinical significance of this variant is uncertain due to the absence of conclusive functional and genetic evidence.

Labcorp Genetics (formerly Invitae), Labcorp
Classification: Uncertain significance for Sphingolipid activator protein 1 deficiency. Last evaluated: 2024-09-30. Review status: criteria provided, single submitter. Criteria: Invitae Variant Classification Sherloc (09022015). Collection method: clinical testing. Allele origin: germline.
Comment: This sequence change replaces arginine, which is basic and polar, with histidine, which is basic and polar, at codon 421 of the PSAP protein (p.Arg421His). This variant is present in population databases (rs774088864, gnomAD 0.008%). This variant has not been reported in the literature in individuals affected with PSAP-related conditions. ClinVar contains an entry for this variant (Variation ID: 1417555). Invitae Evidence Modeling of protein sequence and biophysical properties (such as structural, functional, and spatial information, amino acid conservation, physicochemical variation, residue mobility, and thermodynamic stability) indicates that this missense variant is not expected to disrupt PSAP protein function with a negative predictive value of 80%. In summary, the available evidence is currently insufficient to determine the role of this variant in disease. Therefore, it has been classified as a Variant of Uncertain Significance.

NM_002778.4(PSAP):c.1262G>A (p.Arg421His)

Gene: PSAP (prosaposin; minus strand). Cytogenetic location: 10q22.1.
Variant type: single nucleotide variant.
Coding change: c.1262G>A on transcript NM_002778.4 (MANE Select); coding-DNA position 1262, G replaced by A.
Protein change: p.Arg421His; replaces arginine 421 with histidine.
Molecular consequence: missense variant.
Genome position (GRCh38, 1-based): chr10:71,819,553, C>T on the plus strand (G>A on the coding strand, the complement: PSAP is on the minus strand). VCF-style: chr10-71819553-C-T. GRCh37 (hg19) VCF-style: chr10-73579310-C-T.
Other names: c.1262G>A (NM_002778.2, NM_002778.3); c.1271G>A, p.Arg424His (NM_001042465.3); c.1268G>A, p.Arg423His (NM_001042466.3); short protein forms R424H, R421H, R423H.
Identifiers: ClinVar variation 1417555 (VCV001417555.6), dbSNP rs774088864, ClinGen allele CA5547416.